The following is an entry in ClinVar:

ClinVar aggregate classification (germline): Likely pathogenic (1 of 4 stars; one submission).

Conditions:
Hereditary cancer-predisposing syndrome. Also called: Neoplastic Syndromes, Hereditary; Tumor predisposition; Hereditary neoplastic syndrome; Hereditary Cancer Syndrome. Identifiers: Orphanet 140162, MedGen C0027672, MeSH D009386, MONDO:0015356.

Submission:

Ambry Genetics
Classification: Likely pathogenic for Hereditary cancer-predisposing syndrome. Last evaluated: 2026-06-16. Review status: criteria provided, single submitter. Criteria: Ambry Variant Classification Scheme 2023. Collection method: clinical testing. Allele origin: germline.
Comment: The c.23+192C>T intronic variant results from a C to T substitution 192 nucleotides after coding exon 1 in the PMS2 gene. This nucleotide position is conserved through primates. In silico splice site analysis predicts that this alteration will result in the creation or strengthening of a novel splice donor site. RNA studies have demonstrated that this variant results in abnormal splicing in the set of samples tested (Ambry internal data). This variant is considered to be rare based on population cohorts in the Genome Aggregation Database (gnomAD). Based on the majority of available evidence to date, this variant is likely to be pathogenic.

NM_000535.7(PMS2):c.23+192C>T

Gene: PMS2 (PMS1 homolog 2, mismatch repair system component; minus strand). Cytogenetic location: 7p22.1.
Variant type: single nucleotide variant.
Coding change: c.23+192C>T on transcript NM_000535.7 (MANE Select); 192 bases into the intron after coding-DNA position 23, C replaced by T.
Molecular consequence: intron variant. On other transcripts: splice donor variant (7).
Genome position (GRCh38, 1-based): chr7:6,008,805, G>A on the plus strand (C>T on the coding strand, the complement: PMS2 is on the minus strand). VCF-style: chr7-6008805-G-A. GRCh37 (hg19) VCF-style: chr7-6048436-G-A.
Other names: c.-378+192C>T (NM_001406905.1, NM_001406906.1, NM_001406910.1 and 4 more transcripts); c.-457+192C>T (NM_001322015.2); c.-193+192C>T (NM_001406896.1, NM_001406901.1, NM_001406903.1 and 2 more transcripts); c.23+192C>T (NM_001406885.1, NM_001406886.1, NM_001406884.1 and 11 more transcripts); c.-359+192C>T (NM_001406900.1); c.-330+192C>T (NM_001406909.1, NM_001406907.1, NM_001406892.1 and 1 more transcripts); c.-409+192C>T (NM_001406880.1); c.-373+192C>T (NM_001406890.1); and 19 more.
Identifiers: ClinVar variation 5026896 (VCV005026896.1).